The following is an entry in ClinVar:

ClinVar aggregate classification (germline): Uncertain significance (0 of 4 stars; one submission).

Conditions:
COL4A6-related disorder. Also called: COL4A6-related condition.

gnomAD v4.1: 6 of 1,206,678 alleles (0.0005%); highest among the groups gnomAD compares: African/African-American, 0.0018%; no homozygotes.

Submission:

PreventionGenetics, part of Exact Sciences
Classification: Uncertain significance for COL4A6-related condition. Last evaluated: 2024-05-07. Review status: no assertion criteria provided. Collection method: clinical testing. Allele origin: germline.
Comment: The COL4A6 c.3841C>A variant is predicted to result in the amino acid substitution p.Pro1281Thr. To our knowledge, this variant has not been reported in the literature or in a large population database, indicating this variant is rare. At this time, the clinical significance of this variant is uncertain due to the absence of conclusive functional and genetic evidence.

NM_033641.4(COL4A6):c.3838C>A (p.Pro1280Thr)

Gene: COL4A6 (collagen type IV alpha 6 chain; minus strand). Cytogenetic location: Xq22.3.
Variant type: single nucleotide variant.
Coding change: c.3838C>A on transcript NM_033641.4 (MANE Select); coding-DNA position 3838, C replaced by A.
Protein change: p.Pro1280Thr; replaces proline 1280 with threonine.
Molecular consequence: missense variant.
Genome position (GRCh38, 1-based): chrX:108,165,009, G>T on the plus strand (C>A on the coding strand, the complement: COL4A6 is on the minus strand). VCF-style: chrX-108165009-G-T. GRCh37 (hg19) VCF-style: chrX-107408239-G-T.
Other names: c.3889C>A, p.Pro1297Thr (NM_001287758.2); c.3766C>A, p.Pro1256Thr (NM_001287759.2, NM_001287760.2); c.3841C>A, p.Pro1281Thr (NM_001847.4); short protein forms P1256T, P1280T, P1281T, P1297T.
Identifiers: ClinVar variation 3356618 (VCV003356618.1).
Genomic context (GRCh38, chrX:108,165,009, plus strand): 5'-CAGGAATTCCAGGGAAGCCAGGGTCTCCGGTGTCGCCTTGATTCGAGGATGGCCCAGGGG[G>T]ACCTGGGGGTCCAGCGGGGCCTGGGCGGCCTAGGGATAAGATCGGAAGAGGGGCGAGGGG-3'
Protein context (NP_378667.1, residues 1270-1290): GRPGPAGPPG[Pro1280Thr]PGPSSNQGDT